The following is an entry in ClinVar:

ClinVar aggregate classification (germline): Uncertain significance (1 of 4 stars; one submission).

Conditions:
Nephronophthisis. Also called: Juvenile Nephronophthisis. Identifiers: Orphanet 655, MedGen C0687120, MONDO:0019005, HP:0000090.

Submission:

Labcorp Genetics (formerly Invitae), Labcorp
Classification: Uncertain significance for Nephronophthisis. Last evaluated: 2021-12-19. Review status: criteria provided, single submitter. Criteria: Invitae Variant Classification Sherloc (09022015). Collection method: clinical testing. Allele origin: germline.
Comment: Algorithms developed to predict the effect of missense changes on protein structure and function (SIFT, PolyPhen-2, Align-GVGD) all suggest that this variant is likely to be tolerated. This variant has not been reported in the literature in individuals affected with INVS-related conditions. This variant is not present in population databases (gnomAD no frequency). This sequence change replaces alanine, which is neutral and non-polar, with glycine, which is neutral and non-polar, at codon 859 of the INVS protein (p.Ala859Gly). In summary, the available evidence is currently insufficient to determine the role of this variant in disease. Therefore, it has been classified as a Variant of Uncertain Significance. Algorithms developed to predict the effect of sequence changes on RNA splicing suggest that this variant may create or strengthen a splice site.

NM_014425.5(INVS):c.2576C>G (p.Ala859Gly)

Gene: INVS (inversin; plus strand). Cytogenetic location: 9q31.1.
Variant type: single nucleotide variant.
Coding change: c.2576C>G on transcript NM_014425.5 (MANE Select); coding-DNA position 2576, C replaced by G.
Protein change: p.Ala859Gly; replaces alanine 859 with glycine.
Molecular consequence: missense variant. On other transcripts: non-coding transcript variant (1).
Genome position (GRCh38, 1-based): chr9:100,292,833, C>G. VCF-style: chr9-100292833-C-G. GRCh37 (hg19) VCF-style: chr9-103055115-C-G.
Other names: c.2288C>G, p.Ala763Gly (NM_001318381.2); c.1598C>G, p.Ala533Gly (NM_001318382.2); short protein forms A859G, A533G, A763G.
Identifiers: ClinVar variation 2056546 (VCV002056546.4), dbSNP rs1554730793, ClinGen allele CA374244039.